The following is an entry in ClinVar:

NM_013296.5(GPSM2):c.1910G>A (p.Arg637Gln)

Genes: CLCC1 (chloride channel CLIC like 1; minus strand), GPSM2 (G protein signaling modulator 2; plus strand). Cytogenetic location: 1p13.3.
Variant type: single nucleotide variant.
Coding change: c.1910G>A on transcript NM_013296.5 (MANE Select); coding-DNA position 1910, G replaced by A.
Protein change: p.Arg637Gln; replaces arginine 637 with glutamine.
Molecular consequence: missense variant. On other transcripts: 3 prime UTR variant (17), non-coding transcript variant (1).
Genome position (GRCh38, 1-based): chr1:108,929,795, G>A. VCF-style: chr1-108929795-G-A. GRCh37 (hg19) VCF-style: chr1-109472417-G-A.
Other names: c.*2752C>T (NM_001377466.1, NM_001377467.1, NM_001377469.1 and 10 more transcripts); c.*2757C>T (NM_001377468.1, NM_001377459.1, NM_001377460.1 and 1 more transcripts); c.1910G>A, p.Arg637Gln (NM_001321038.2, NM_001321039.3); short protein forms R637Q.
Identifiers: ClinVar variation 291709 (VCV000291709.9), dbSNP rs765367400, ClinGen allele CA983214.
Genomic context (GRCh38, chr1:108,929,795, plus strand): 5'-CACCTGCTACCACAAAGGGTCCGACAGTACCAGATGAAGACTTTTTCAGCCTTATTTTAC[G>A]GTCCCAGGGAAAGAGAATGGATGAACAGAGAGTTCTTTTACAAAGAGATCAAAACAGAGA-3'
Protein context (NP_037428.3, residues 627-647): PDEDFFSLIL[Arg637Gln]SQGKRMDEQR

ClinVar aggregate classification (germline): Uncertain significance. Review status: criteria provided, multiple submitters, no conflicts (2 of 4 stars). 4 submissions from 4 submitters: Uncertain significance (4). Last evaluated 2024-11-01.

Conditions:
Chudley-McCullough syndrome (CMCS). Also called: Deafness, autosomal recessive 82; DEAFNESS, SENSORINEURAL, WITH PARTIAL AGENESIS OF THE CORPUS CALLOSUM AND ARACHNOID CYSTS. Identifiers: Orphanet 314597, MedGen C1858695, MONDO:0011411, OMIM 604213.
Inborn genetic diseases. Identifiers: MedGen C0950123, MeSH D030342.

Allele frequency attached by ClinVar (database versions not stated): gnomAD 0.00003; gnomAD exomes 0.00004 and 0.00003; ExAC 0.00002; TOPMed 0.00003.
gnomAD v4.1: 64 of 1,613,818 alleles (0.004%); highest among the groups gnomAD compares: Non-Finnish European, 0.0052%; no homozygotes.

Submissions (4):

GeneDx
Classification: Uncertain significance. Last evaluated: 2024-11-01. Review status: criteria provided, single submitter. Criteria: GeneDx Variant Classification Process June 2021. Collection method: clinical testing. Allele origin: germline. Affected: yes.
Comment: Not observed at significant frequency in large population cohorts (gnomAD); In silico analysis supports that this missense variant has a deleterious effect on protein structure/function; Has not been previously published as pathogenic or benign to our knowledge

Labcorp Genetics (formerly Invitae), Labcorp
Classification: Uncertain significance. Last evaluated: 2021-11-05. Review status: criteria provided, single submitter. Criteria: Invitae Variant Classification Sherloc (09022015). Collection method: clinical testing. Allele origin: germline.
Comment: This sequence change replaces arginine, which is basic and polar, with glutamine, which is neutral and polar, at codon 637 of the GPSM2 protein (p.Arg637Gln). This variant is present in population databases (rs765367400, gnomAD 0.007%). This variant has not been reported in the literature in individuals affected with GPSM2-related conditions. ClinVar contains an entry for this variant (Variation ID: 291709). Algorithms developed to predict the effect of missense changes on protein structure and function are either unavailable or do not agree on the potential impact of this missense change (SIFT: "Deleterious"; PolyPhen-2: "Possibly Damaging"; Align-GVGD: "Class C0"). Algorithms developed to predict the effect of sequence changes on RNA splicing suggest that this variant may create or strengthen a splice site. In summary, the available evidence is currently insufficient to determine the role of this variant in disease. Therefore, it has been classified as a Variant of Uncertain Significance.

Ambry Genetics
Classification: Uncertain significance for Inborn genetic diseases. Last evaluated: 2021-03-26. Review status: criteria provided, single submitter. Criteria: Ambry Variant Classification Scheme 2023. Collection method: clinical testing. Allele origin: germline.
Comment: The c.1910G>A (p.R637Q) alteration is located in exon 15 (coding exon 14) of the GPSM2 gene. This alteration results from a G to A substitution at nucleotide position 1910, causing the arginine (R) at amino acid position 637 to be replaced by a glutamine (Q). The p.R637Q alteration is predicted to be deleterious by in silico analysis. Based on insufficient or conflicting evidence, the clinical significance of this alteration remains unclear.

Illumina Laboratory Services, Illumina
Classification: Uncertain significance for Chudley-McCullough syndrome. Last evaluated: 2018-01-13. Review status: criteria provided, single submitter. Criteria: ICSL Variant Classification Criteria 13 December 2019. Collection method: clinical testing. Allele origin: germline.